The following is an entry in ClinVar:

ClinVar aggregate classification (germline): Uncertain significance (1 of 4 stars; one submission).

Conditions:
Hereditary spastic paraplegia 47. Also called: CEREBRAL PALSY, SPASTIC QUADRIPLEGIC, 5; Spastic paraplegia 47, autosomal recessive; adaptor protein 4 (AP-4) deficiency syndrome. Identifiers: Orphanet 280763, MedGen C3279738, MONDO:0013551, OMIM 614066.

Allele frequency attached by ClinVar (database versions not stated): gnomAD exomes 0.00003; TOPMed below 0.00001; gnomAD 0.00001; ExAC 0.00002.
gnomAD v4.1: 42 of 1,614,076 alleles (0.0026%); highest among the groups gnomAD compares: South Asian, 0.044%; 1 homozygote.

Submission:

Labcorp Genetics (formerly Invitae), Labcorp
Classification: Uncertain significance for Hereditary spastic paraplegia 47. Last evaluated: 2024-10-24. Review status: criteria provided, single submitter. Criteria: Invitae Variant Classification Sherloc (09022015). Collection method: clinical testing. Allele origin: germline.
Comment: This sequence change replaces lysine, which is basic and polar, with glutamic acid, which is acidic and polar, at codon 530 of the AP4B1 protein (p.Lys530Glu). This variant is present in population databases (rs769713892, gnomAD 0.03%). This variant has not been reported in the literature in individuals affected with AP4B1-related conditions. ClinVar contains an entry for this variant (Variation ID: 2076208). Invitae Evidence Modeling of protein sequence and biophysical properties (such as structural, functional, and spatial information, amino acid conservation, physicochemical variation, residue mobility, and thermodynamic stability) indicates that this missense variant is not expected to disrupt AP4B1 protein function with a negative predictive value of 80%. In summary, the available evidence is currently insufficient to determine the role of this variant in disease. Therefore, it has been classified as a Variant of Uncertain Significance.

NM_001253852.3(AP4B1):c.1588A>G (p.Lys530Glu)

Genes: AP4B1 (adaptor related protein complex 4 subunit beta 1; minus strand), AP4B1-AS1 (AP4B1 antisense RNA 1; plus strand). Cytogenetic location: 1p13.2.
Variant type: single nucleotide variant.
Coding change: c.1588A>G on transcript NM_001253852.3 (MANE Select); coding-DNA position 1588, A replaced by G.
Protein change: p.Lys530Glu; replaces lysine 530 with glutamic acid.
Molecular consequence: missense variant.
Genome position (GRCh38, 1-based): chr1:113,895,961, T>C on the plus strand (A>G on the coding strand, the complement: AP4B1 is on the minus strand). VCF-style: chr1-113895961-T-C. GRCh37 (hg19) VCF-style: chr1-114438583-T-C.
Other names: c.1291A>G, p.Lys431Glu (NM_001253853.3); c.1084A>G, p.Lys362Glu (NM_001308312.2); c.1588A>G, p.Lys530Glu (NM_006594.5); short protein forms K362E, K530E, K431E.
Identifiers: ClinVar variation 2076208 (VCV002076208.4), dbSNP rs769713892, ClinGen allele CA1015751.